The following is an entry in ClinVar:

ClinVar aggregate classification (germline): Likely benign. Review status: criteria provided, multiple submitters, no conflicts (2 of 4 stars). 2 submissions from 2 submitters: Likely benign (2). Last evaluated 2023-11-28.

Conditions:
Familial thoracic aortic aneurysm and aortic dissection (TAAD). Also called: Thoracic aortic aneurysms and dissections. Identifiers: Orphanet 91387, MedGen C4707243, MONDO:0019625.
Marfan syndrome (MFS). Also called: Marfan syndrome, classic; Marfan syndrome type 1; Marfan's syndrome; FBN1-Related Marfan Syndrome; MARFAN SYNDROME, TYPE I. Identifiers: Orphanet 284963, Orphanet 558, MedGen C0024796, MONDO:0007947, OMIM 154700.

Submissions (2):

All of Us Research Program, National Institutes of Health
Classification: Likely benign for Marfan syndrome. Last evaluated: 2023-11-28. Review status: criteria provided, single submitter. Criteria: ACMG Guidelines, 2015. Collection method: clinical testing. Allele origin: germline. Inheritance: Autosomal dominant inheritance. Observed: 1 variant allele, 1 heterozygote.
Comment: This study involves interpretation of variants in research participants for the purpose of population health screening. Participant phenotype was not available at the time of variant classification. Additional details can be found in publication PMID: 35346344, PMCID: PMC8962531

Color Diagnostics, LLC DBA Color Health
Classification: Likely benign for Familial thoracic aortic aneurysm and aortic dissection. Last evaluated: 2019-03-24. Review status: criteria provided, single submitter. Criteria: ACMG Guidelines, 2015. Collection method: clinical testing. Allele origin: germline.

NM_000138.5(FBN1):c.2232G>T (p.Gly744=)

Gene: FBN1 (fibrillin 1; minus strand). Cytogenetic location: 15q21.1.
Variant type: single nucleotide variant.
Coding change: c.2232G>T on transcript NM_000138.5 (MANE Select); coding-DNA position 2232, G replaced by T.
Protein change: p.Gly744=; no amino-acid change (glycine 744 retained).
Molecular consequence: synonymous variant.
Genome position (GRCh38, 1-based): chr15:48,497,327, C>A on the plus strand (G>T on the coding strand, the complement: FBN1 is on the minus strand). VCF-style: chr15-48497327-C-A. GRCh37 (hg19) VCF-style: chr15-48789524-C-A.
Identifiers: ClinVar variation 925804 (VCV000925804.3), dbSNP rs762745991, ClinGen allele CA490023621.